The following is an entry in ClinVar:

ClinVar aggregate classification (germline): Uncertain significance. Review status: criteria provided, multiple submitters, no conflicts (2 of 4 stars). 2 submissions from 2 submitters: Uncertain significance (2). Last evaluated 2025-10-03.

gnomAD v4.1: 5 of 1,612,386 alleles (0.00031%); highest among the groups gnomAD compares: Admixed American, 0.0017%; no homozygotes.

Submissions (2):

Labcorp Genetics (formerly Invitae), Labcorp
Classification: Uncertain significance. Last evaluated: 2025-10-03. Review status: criteria provided, single submitter. Criteria: Invitae Variant Classification Sherloc (09022015). Collection method: clinical testing. Allele origin: germline.
Comment: This sequence change replaces glycine, which is neutral and non-polar, with valine, which is neutral and non-polar, at codon 772 of the BPTF protein (p.Gly772Val). The frequency data for this variant in the population databases is considered unreliable, as metrics indicate poor data quality at this position in the gnomAD database. This variant has not been reported in the literature in individuals affected with BPTF-related conditions. An algorithm developed to predict the effect of missense changes on protein structure and function (PolyPhen-2) suggests that this variant is likely to be disruptive. In summary, the available evidence is currently insufficient to determine the role of this variant in disease. Therefore, it has been classified as a Variant of Uncertain Significance.

Dasa
Classification: Uncertain significance. Last evaluated: 2024-11-07. Review status: criteria provided, single submitter. Criteria: DASA Assertion Criteria. Collection method: clinical testing. Allele origin: germline.
Comment: NM_182641.4(BPTF):c.1937G>T (p.Gly646Val) is a missense variant that results in the substitution of glycine with valine. This variant is rare in population databases. Computational prediction algorithms are consistent with a benign effect. The currently available literature and clinical evidence are not sufficient to establish a definitive association between this variant and the reported condition. Therefore, this variant is classified as a variant of uncertain significance.

NM_182641.4(BPTF):c.1937G>T (p.Gly646Val)

Gene: BPTF (bromodomain PHD finger transcription factor; plus strand). Cytogenetic location: 17q24.2.
Variant type: single nucleotide variant.
Coding change: c.1937G>T on transcript NM_182641.4 (MANE Select); coding-DNA position 1937, G replaced by T.
Protein change: p.Gly646Val; replaces glycine 646 with valine.
Molecular consequence: missense variant.
Genome position (GRCh38, 1-based): chr17:67,891,916, G>T. VCF-style: chr17-67891916-G-T. GRCh37 (hg19) VCF-style: chr17-65888032-G-T.
Other names: c.2126G>T, p.Gly709Val (NM_001439139.1, NM_001439141.1, NM_001439143.1 and 1 more transcripts); c.2315G>T, p.Gly772Val (NM_001439140.1, NM_001439142.1, NM_004459.7); short protein forms G772V, G646V, G709V.
Identifiers: ClinVar variation 4762689 (VCV004762689.3).